The following is an entry in ClinVar:

NM_000037.4(ANK1):c.4924G>A (p.Glu1642Lys)

Gene: ANK1 (ankyrin 1; minus strand). Cytogenetic location: 8p11.21.
Variant type: single nucleotide variant.
Coding change: c.4924G>A on transcript NM_000037.4 (MANE Select); coding-DNA position 4924, G replaced by A.
Protein change: p.Glu1642Lys; replaces glutamic acid 1642 with lysine.
Molecular consequence: missense variant. On other transcripts: intron variant (1).
Genome position (GRCh38, 1-based): chr8:41,672,526, C>T on the plus strand (G>A on the coding strand, the complement: ANK1 is on the minus strand). VCF-style: chr8-41672526-C-T. GRCh37 (hg19) VCF-style: chr8-41530044-C-T.
Other names: c.5047G>A, p.Glu1683Lys (NM_001142446.2); c.4924G>A, p.Glu1642Lys (NM_020475.3, NM_020476.3); c.4538-100G>A (NM_020477.3); short protein forms E1642K, E1683K.
Identifiers: ClinVar variation 3614699 (VCV003614699.2).
Genomic context (GRCh38, chr8:41,672,526, plus strand): 5'-CACCTGTCGCGTCATCCTGCCTCTTAGAACCTGGCAGCTTCTCTTCTGACCTCTGACCTT[C>T]CTCCTGTTCAAGCAAATCGATAAGGCCATTTGTGGCATCTGAATCCACTGTGTCGTCCTC-3'
Protein context (NP_000028.3, residues 1632-1652): NGLIDLLEQE[Glu1642Lys]GQRSEEKLPG

ClinVar aggregate classification (germline): Uncertain significance (1 of 4 stars; one submission).

gnomAD v4.1: 5 of 1,614,240 alleles (0.00031%); highest among the groups gnomAD compares: South Asian, 0.0011%; no homozygotes.

Submission:

Labcorp Genetics (formerly Invitae), Labcorp
Classification: Uncertain significance. Last evaluated: 2024-05-31. Review status: criteria provided, single submitter. Criteria: Invitae Variant Classification Sherloc (09022015). Collection method: clinical testing. Allele origin: germline.
Comment: This sequence change replaces glutamic acid, which is acidic and polar, with lysine, which is basic and polar, at codon 1642 of the ANK1 protein (p.Glu1642Lys). This variant is present in population databases (rs372606605, gnomAD 0.003%). This variant has not been reported in the literature in individuals affected with ANK1-related conditions. An algorithm developed to predict the effect of missense changes on protein structure and function (PolyPhen-2) suggests that this variant is likely to be tolerated. In summary, the available evidence is currently insufficient to determine the role of this variant in disease. Therefore, it has been classified as a Variant of Uncertain Significance.